The following is an entry in ClinVar:

ClinVar aggregate classification (germline): Likely benign. Review status: reviewed by expert panel (3 of 4 stars). 12 submissions from 12 submitters: Likely benign (1). 11 of the submissions do not count toward it. Last evaluated 2017-06-29.

Conditions:
Hereditary cancer-predisposing syndrome. Also called: Neoplastic Syndromes, Hereditary; Tumor predisposition; Hereditary neoplastic syndrome; Hereditary Cancer Syndrome. Identifiers: Orphanet 140162, MedGen C0027672, MeSH D009386, MONDO:0015356.
Hereditary breast ovarian cancer syndrome. Also called: Hereditary breast and ovarian cancer syndrome; Hereditary breast and ovarian cancer; Hereditary breast and ovarian cancer syndrome (HBOC); Breast and ovarian cancer; Hereditary breast and/or ovarian cancer syndrome; BRCA1- and BRCA2-Associated Hereditary Breast and Ovarian Cancer. Identifiers: Orphanet 145, MedGen C0677776, MeSH D061325, MONDO:0003582. Disease mechanism: loss of function.
BRCA2-related disorder. Also called: BRCA2-related condition; BRCA2-related disorders. Identifiers: MedGen CN239275.
Breast-ovarian cancer, familial, susceptibility to, 2 (BROVCA2). Also called: BRCA2 Hereditary Breast and Ovarian Cancer. Identifiers: Orphanet 145, MedGen C2675520, MONDO:0012933, OMIM 612555. Disease mechanism: loss of function.
Malignant tumor of breast. Also called: Malignant breast neoplasm; Cancer breast. Identifiers: MedGen C0006142, MONDO:0007254. Disease mechanism: loss of function.

Allele frequency attached by ClinVar (database versions not stated): TOPMed below 0.00001; gnomAD exomes 0.00001; ExAC 0.00002; ESP Exome Variant Server 0.00015.
gnomAD v4.1: 13 of 1,612,556 alleles (0.00081%); highest among the groups gnomAD compares: Non-Finnish European, 0.001%; no homozygotes.

Submissions (12):

Evidence-based Network for the Interpretation of Germline Mutant Alleles (ENIGMA)
Classification: Likely benign for Breast-ovarian cancer, familial, susceptibility to, 2. Last evaluated: 2017-06-29. Review status: reviewed by expert panel. Criteria: ENIGMA BRCA1/2 Classification Criteria (2017-06-29). Collection method: curation. Allele origin: germline.
Comment: Synonymous substitution variant, with low bioinformatic likelihood to result in a splicing aberration (Splicing prior probability 0.02).

Labcorp Genetics (formerly Invitae), Labcorp
Classification: Likely benign for Hereditary breast ovarian cancer syndrome. Last evaluated: 2025-12-09. Review status: criteria provided, single submitter. Criteria: Invitae Variant Classification Sherloc (09022015). Collection method: clinical testing. Allele origin: germline. Not counted in ClinVar's aggregate classification.

Quest Diagnostics Nichols Institute San Juan Capistrano
Classification: Likely benign. Last evaluated: 2025-04-09. Review status: criteria provided, single submitter. Criteria: Quest Diagnostics criteria. Collection method: clinical testing. Allele origin: unknown. Not counted in ClinVar's aggregate classification.

Women's Health and Genetics/Laboratory Corporation of America, LabCorp
Classification: Likely benign. Last evaluated: 2023-03-24. Review status: criteria provided, single submitter. Criteria: LabCorp Variant Classification Summary - May 2015. Collection method: clinical testing. Allele origin: germline. Not counted in ClinVar's aggregate classification.

Sema4
Classification: Likely benign for Hereditary cancer-predisposing syndrome. Last evaluated: 2021-07-14. Review status: criteria provided, single submitter. Criteria: Sema4 Curation Guidelines. Collection method: curation. Allele origin: germline. Not counted in ClinVar's aggregate classification.

Mendelics
Classification: Likely benign for Breast-ovarian cancer, familial, susceptibility to, 2. Last evaluated: 2019-05-28. Review status: criteria provided, single submitter. Criteria: Mendelics Assertion Criteria 2017. Collection method: clinical testing. Allele origin: unknown. Not counted in ClinVar's aggregate classification.

Color Diagnostics, LLC DBA Color Health
Classification: Likely benign for Hereditary cancer-predisposing syndrome. Last evaluated: 2016-05-02. Review status: criteria provided, single submitter. Criteria: ACMG Guidelines, 2015. Collection method: clinical testing. Allele origin: germline. Not counted in ClinVar's aggregate classification.

GeneDx
Classification: Benign. Last evaluated: 2015-03-03. Review status: criteria provided, single submitter. Criteria: GeneDx Variant Classification Process June 2021. Collection method: clinical testing. Allele origin: germline. Affected: yes. Not counted in ClinVar's aggregate classification.
Comment: This variant is associated with the following publications: (PMID: 27616075)

Ambry Genetics
Classification: Likely benign for Hereditary cancer-predisposing syndrome. Last evaluated: 2014-09-03. Review status: criteria provided, single submitter. Criteria: Ambry Variant Classification Scheme 2023. Collection method: clinical testing. Allele origin: germline. Not counted in ClinVar's aggregate classification.

PreventionGenetics, part of Exact Sciences
Classification: Likely benign for BRCA2-related condition. Last evaluated: 2021-12-24. Review status: no assertion criteria provided. Collection method: clinical testing. Allele origin: germline. Not counted in ClinVar's aggregate classification.
Comment: This variant is classified as likely benign based on ACMG/AMP sequence variant interpretation guidelines (Richards et al. 2015 PMID: 25741868, with internal and published modifications).

Breast Cancer Information Core (BIC) (BRCA2)
Classification: Uncertain significance for Breast-ovarian cancer, familial 2. Last evaluated: 2002-05-29. Review status: no assertion criteria provided. Collection method: clinical testing. Allele origin: germline. Affected: yes. Observed: 1 variant allele. Not counted in ClinVar's aggregate classification.

Department of Pathology and Laboratory Medicine, Sinai Health System
Classification: Likely benign for Malignant tumor of breast. Review status: no assertion criteria provided. Collection method: clinical testing. Allele origin: unknown. Affected: yes. Observed: 2 variant alleles. Study: The Canadian Open Genetics Repository (COGR). Not counted in ClinVar's aggregate classification.
Comment: The BRCA2 p.Leu2999Leu variant was shown to have no effect on exon 23 splicing in a functional assay using hybrid minigene construction (Sanz 2010). In addition, a well-validated bioinformatics model applying information theory for splicing mutation analysis of BRCA1 and BRCA2 variants complemented this finding with the result of no concordant splicing effect (Mucaki 2010). The variant was also identified in dbSNP (ID: rs80359804) as â€šÃ„ÃºWith Uncertain significance alleleâ€šÃ„Ã¹, Clinvitae database (classifications: likely benign and uncertain significance), the ClinVar database (with conflicting interpretations of pathogenicity, classified as likely benign by Invitae and Ambry Genetics, and uncertain significance by BIC), the BIC database (1x with unknown clinical importance), UMD (3x with a â€šÃ„Ã¹unclassified variantâ€šÃ„Ã¹ classification); in the NHLBI GO Exome Sequencing Project in 2 of 8590 European American alleles, (frequency: 0.00023), and the Exome Aggregation Consortium database (March 14, 2016) in 3 of 121072 chromosomes (freq. 0.00002), specifically in the Euorpean (Non-Finnish) population in 3 of 66564 chromosomes (freq.0.000045), but not in African, East Asian, Finnish, Latino, other and South Asian populations, increasing the likelihood this could be a low frequency benign variant. The p.Leu2999Leu variant is not expected to have clinical significance because it does not result in a change of amino acid and is not located in a known consensus splice site. In addition, in silico or computational prediction software programs (SpliceSiteFinder, MaxEntScan, NNSPLICE, GeneSplicer, HumanSpliceFinder) do not predict a difference in splicing. In summary, based on the above information, the clinical significance of this variant cannot be determined with certainty at this time although we would lean towards a more benign role for this variant. This variant is classified as likely benign.

Literature cited by the submitters: PubMed 20215541 (cited by Quest Diagnostics Nichols Institute San Juan Capistrano); PubMed 39779848 (cited by Quest Diagnostics Nichols Institute San Juan Capistrano); PubMed 15937982 (cited by Quest Diagnostics Nichols Institute San Juan Capistrano and Women's Health and Genetics/Laboratory Corporation of America, LabCorp); PubMed 27616075 (cited by Quest Diagnostics Nichols Institute San Juan Capistrano); PubMed 16758124 (cited by Quest Diagnostics Nichols Institute San Juan Capistrano).

NM_000059.4(BRCA2):c.8997G>A (p.Leu2999=)

Gene: BRCA2 (BRCA2 DNA repair associated; plus strand). Cytogenetic location: 13q13.1.
Variant type: single nucleotide variant.
Coding change: c.8997G>A on transcript NM_000059.4 (MANE Select); coding-DNA position 8997, G replaced by A.
Protein change: p.Leu2999=; no amino-acid change (leucine 2999 retained).
Molecular consequence: synonymous variant.
Genome position (GRCh38, 1-based): chr13:32,379,793, G>A. VCF-style: chr13-32379793-G-A. GRCh37 (hg19) VCF-style: chr13-32953930-G-A.
Other names: L2999L.
Identifiers: ClinVar variation 52723 (VCV000052723.25), dbSNP rs80359804, ClinGen allele CA025917.